The following is an entry in ClinVar:

NM_006019.4(TCIRG1):c.1980_1992del (p.Arg661fs)

Gene: TCIRG1 (T cell immune regulator 1, ATPase H+ transporting V0 subunit a3; plus strand). Cytogenetic location: 11q13.2.
Variant type: Deletion.
Coding change: c.1980_1992del on transcript NM_006019.4 (MANE Select); coding-DNA positions 1980 to 1992, 13 bases deleted (CCGCCGCCTGCGG).
Protein change: p.Arg661fs; shifts the reading frame from arginine 661.
Molecular consequence: frameshift variant.
Genome position (GRCh38, 1-based): chr11:68,049,755-68,049,767, CCGCCGCCTGCGG deleted; deleting any 13 consecutive bases within chr11:68,049,754-68,049,767 gives the same sequence; the c. name uses the placement nearest the transcript's 3' end. VCF-style (leftmost placement, unchanged base first): chr11-68049753-CGCCGCCGCCTGCG-C. GRCh37 (hg19) VCF-style: chr11-67817220-CGCCGCCGCCTGCG-C.
Other names: c.1086_1098del, p.Arg363fs (NM_001351059.2); c.1980_1992del, p.Arg661fs (NM_001440552.1, NM_001440553.1, NM_001440554.1 and 2 more transcripts); c.1938_1950del, p.Arg647fs (NM_001440555.1, NM_001440556.1, NM_001440563.1); c.1767_1779del, p.Arg590fs (NM_001440559.1, NM_001440560.1, NM_001440561.1 and 2 more transcripts); c.1725_1737del, p.Arg576fs (NM_001440564.1); c.1680_1692del, p.Arg561fs (NM_001440565.1); c.1518_1530del, p.Arg507fs (NM_001440567.1); c.1512_1524del, p.Arg505fs (NM_001440568.1); and 2 more; short protein forms R341fs, R363fs, R445fs, R505fs, R507fs, R561fs, R576fs, R590fs.
Identifiers: ClinVar variation 5015017 (VCV005015017.1).

ClinVar aggregate classification (germline): Pathogenic (1 of 4 stars; one submission).

Conditions:
Autosomal recessive osteopetrosis 1. Also called: ALBERS-SCHONBERG DISEASE, AUTOSOMAL RECESSIVE; TCIRG1-Related Autosomal Recessive Osteopetrosis; TCIRG1-Related Osteopetrosis. Identifiers: Orphanet 667, MedGen C1850127, MONDO:0009815, OMIM 259700.

Submission:

Myriad Genetics, Inc.
Classification: Pathogenic for Autosomal recessive osteopetrosis 1. Last evaluated: 2025-09-24. Review status: criteria provided, single submitter. Criteria: Myriad Autosomal Dominant, Autosomal Recessive and X-Linked Classification Criteria (2023). Collection method: clinical testing. Allele origin: unknown.
Comment: NM_006019.3(TCIRG1):c.1980_1992del13(R661Gfs*22) is expected to be pathogenic in the context of autosomal recessive osteopetrosis type 1. This variant is predicted to lead to an abnormal or absent protein product due to the creation of a premature termination codon in TCIRG1, a gene where loss-of-function variants are known to be pathogenic. Please note: this variant was assessed in the context of healthy population screening.